The following is an entry in ClinVar:

NM_001110556.2(FLNA):c.2323T>G (p.Tyr775Asp)

Gene: FLNA (filamin A; minus strand). Cytogenetic location: Xq28.
Variant type: single nucleotide variant.
Coding change: c.2323T>G on transcript NM_001110556.2 (MANE Select); coding-DNA position 2323, T replaced by G.
Protein change: p.Tyr775Asp; replaces tyrosine 775 with aspartic acid.
Molecular consequence: missense variant.
Genome position (GRCh38, 1-based): chrX:154,362,742, A>C on the plus strand (T>G on the coding strand, the complement: FLNA is on the minus strand). VCF-style: chrX-154362742-A-C. GRCh37 (hg19) VCF-style: chrX-153591110-A-C.
Other names: c.2323T>G, p.Tyr775Asp (NM_001456.4); short protein forms Y775D.
Identifiers: ClinVar variation 1328843 (VCV001328843.2), dbSNP rs371839875, ClinGen allele CA415237506.

ClinVar aggregate classification (germline): Uncertain significance (1 of 4 stars; one submission).

Submission:

GeneDx
Classification: Uncertain significance. Last evaluated: 2021-06-18. Review status: criteria provided, single submitter. Criteria: GeneDx Variant Classification Process June 2021. Collection method: clinical testing. Allele origin: germline. Affected: yes.
Comment: Not observed at significant frequency in large population cohorts (Lek et al., 2016); In silico analysis supports that this missense variant has a deleterious effect on protein structure/function; Has not been previously published as pathogenic or benign to our knowledge; This variant is associated with the following publications: (PMID: 27535533)